The following is an entry in ClinVar:

ClinVar aggregate classification (germline): Uncertain significance. Review status: criteria provided, multiple submitters, no conflicts (2 of 4 stars). 2 submissions from 2 submitters: Uncertain significance (2). Last evaluated 2025-09-21.

Submissions (2):

Labcorp Genetics (formerly Invitae), Labcorp
Classification: Uncertain significance. Last evaluated: 2025-09-21. Review status: criteria provided, single submitter. Criteria: Invitae Variant Classification Sherloc (09022015). Collection method: clinical testing. Allele origin: germline.
Comment: This sequence change replaces asparagine, which is neutral and polar, with isoleucine, which is neutral and non-polar, at codon 525 of the SLIT2 protein (p.Asn525Ile). This variant is not present in population databases (gnomAD no frequency). This variant has not been reported in the literature in individuals affected with SLIT2-related conditions. ClinVar contains an entry for this variant (Variation ID: 2281064). An algorithm developed to predict the effect of missense changes on protein structure and function (PolyPhen-2) suggests that this variant is likely to be tolerated. In summary, the available evidence is currently insufficient to determine the role of this variant in disease. Therefore, it has been classified as a Variant of Uncertain Significance.

Ambry Genetics
Classification: Uncertain significance. Last evaluated: 2025-05-07. Review status: criteria provided, single submitter. Criteria: Ambry Variant Classification Scheme 2023. Collection method: clinical testing. Allele origin: germline.

NM_004787.4(SLIT2):c.1574A>T (p.Asn525Ile)

Gene: SLIT2 (slit guidance ligand 2; plus strand). Cytogenetic location: 4p15.31.
Variant type: single nucleotide variant.
Coding change: c.1574A>T on transcript NM_004787.4 (MANE Select); coding-DNA position 1574, A replaced by T.
Protein change: p.Asn525Ile; replaces asparagine 525 with isoleucine.
Molecular consequence: missense variant.
Genome position (GRCh38, 1-based): chr4:20,529,060, A>T. VCF-style: chr4-20529060-A-T. GRCh37 (hg19) VCF-style: chr4-20530683-A-T.
Other names: c.1562A>T, p.Asn521Ile (NM_001289135.3); c.1550A>T, p.Asn517Ile (NM_001289136.3); short protein forms N517I, N521I, N525I.
Identifiers: ClinVar variation 2281064 (VCV002281064.4), dbSNP rs777269888, ClinGen allele CA356464582.